The following is an entry in ClinVar:

ClinVar aggregate classification (germline): Uncertain significance (1 of 4 stars; one submission).

Conditions:
Inborn genetic diseases. Identifiers: MedGen C0950123, MeSH D030342.

gnomAD v4.1: 2 of 1,428,898 alleles (0.00014%); highest among the groups gnomAD compares: Non-Finnish European, 0.000095%; no homozygotes.

Submission:

Ambry Genetics
Classification: Uncertain significance for Inborn genetic diseases. Last evaluated: 2024-12-22. Review status: criteria provided, single submitter. Criteria: Ambry Variant Classification Scheme 2023. Collection method: clinical testing. Allele origin: germline.
Comment: The p.T396R variant (also known as c.1187C>G), located in coding exon 5 of the SH2B3 gene, results from a C to G substitution at nucleotide position 1187. The threonine at codon 396 is replaced by arginine, an amino acid with similar properties. This amino acid position is conserved. In addition, this alteration is predicted to be tolerated by in silico analysis. Based on the available evidence, the clinical significance of this variant remains unclear.

NM_005475.3(SH2B3):c.1187C>G (p.Thr396Arg)

Gene: SH2B3 (SH2B adaptor protein 3; plus strand). Cytogenetic location: 12q24.12.
Variant type: single nucleotide variant.
Coding change: c.1187C>G on transcript NM_005475.3 (MANE Select); coding-DNA position 1187, C replaced by G.
Protein change: p.Thr396Arg; replaces threonine 396 with arginine.
Molecular consequence: missense variant.
Genome position (GRCh38, 1-based): chr12:111,447,495, C>G. VCF-style: chr12-111447495-C-G. GRCh37 (hg19) VCF-style: chr12-111885299-C-G.
Other names: c.581C>G, p.Thr194Arg (NM_001291424.1); short protein forms T194R, T396R.
Identifiers: ClinVar variation 3795036 (VCV003795036.1).